The following is an entry in ClinVar:

NM_000038.6(APC):c.742A>G (p.Asn248Asp)

Gene: APC (APC regulator of Wnt signaling pathway; plus strand). Cytogenetic location: 5q22.2.
Variant type: single nucleotide variant.
Coding change: c.742A>G on transcript NM_000038.6 (MANE Select); coding-DNA position 742, A replaced by G.
Protein change: p.Asn248Asp; replaces asparagine 248 with aspartic acid.
Molecular consequence: missense variant. On other transcripts: 5 prime UTR variant (1).
Genome position (GRCh38, 1-based): chr5:112,801,291, A>G. VCF-style: chr5-112801291-A-G. GRCh37 (hg19) VCF-style: chr5-112136988-A-G.
Other names: c.742A>G, p.Asn248Asp (NM_001127510.3, NM_001354895.2, NM_001354896.2 and 1 more transcripts); c.688A>G, p.Asn230Asp (NM_001127511.3); c.772A>G, p.Asn258Asp (NM_001354897.2, NM_001354902.2); c.667A>G, p.Asn223Asp (NM_001354898.2, NM_001354904.2); c.658A>G, p.Asn220Asp (NM_001354899.2); c.565A>G, p.Asn189Asp (NM_001354900.2, NM_001354901.2, NM_001354905.2); c.-294A>G (NM_001354906.2); short protein forms N189D, N220D, N223D, N230D, N248D, N258D.
Identifiers: ClinVar variation 1001712 (VCV001001712.10), dbSNP rs1760790302, ClinGen allele CA16022952.
Genomic context (GRCh38, chr5:112,801,291, plus strand): 5'-AAGCCTACACCATTTTTGCATGTACTGATGTTAACTCCATCTTAACAGAGGTCATCTCAG[A>G]ACAAGCATGAAACCGGCTCACATGATGCTGAGCGGCAGAATGAAGGTCAAGGAGTGGGAG-3'
Protein context (NP_000029.2, residues 238-258): QATEAERSSQ[Asn248Asp]KHETGSHDAE

ClinVar aggregate classification (germline): Uncertain significance (1 of 4 stars; one submission).

Conditions:
Familial adenomatous polyposis 1 (FAP1). Also called: FAMILIAL ADENOMATOUS POLYPOSIS 1, ATTENUATED; POLYPOSIS, ADENOMATOUS INTESTINAL. Identifiers: MedGen C2713442, MONDO:0021056, OMIM 175100. Disease mechanism: loss of function.

Submission:

Labcorp Genetics (formerly Invitae), Labcorp
Classification: Uncertain significance for Familial adenomatous polyposis 1. Last evaluated: 2020-08-06. Review status: criteria provided, single submitter. Criteria: Invitae Variant Classification Sherloc (09022015). Collection method: clinical testing. Allele origin: germline.
Comment: This sequence change replaces asparagine with aspartic acid at codon 248 of the APC protein (p.Asn248Asp). The asparagine residue is weakly conserved and there is a small physicochemical difference between asparagine and aspartic acid. This variant is not present in population databases (ExAC no frequency). In summary, the available evidence is currently insufficient to determine the role of this variant in disease. Therefore, it has been classified as a Variant of Uncertain Significance. Algorithms developed to predict the effect of missense changes on protein structure and function (SIFT, PolyPhen-2, Align-GVGD) all suggest that this variant is likely to be tolerated, but these predictions have not been confirmed by published functional studies and their clinical significance is uncertain. This variant has not been reported in the literature in individuals with APC-related conditions.